The following is an entry in ClinVar:

ClinVar aggregate classification (germline): Uncertain significance (1 of 4 stars; one submission).

Conditions:
Hereditary cancer-predisposing syndrome. Also called: Neoplastic Syndromes, Hereditary; Tumor predisposition; Hereditary neoplastic syndrome; Hereditary Cancer Syndrome. Identifiers: Orphanet 140162, MedGen C0027672, MeSH D009386, MONDO:0015356.

Submission:

Ambry Genetics
Classification: Uncertain significance for Hereditary cancer-predisposing syndrome. Last evaluated: 2026-07-07. Review status: criteria provided, single submitter. Criteria: Ambry Variant Classification Scheme 2023. Collection method: clinical testing. Allele origin: germline.
Comment: The p.P2018T variant (also known as c.6052C>A), located in coding exon 15 of the APC gene, results from a C to A substitution at nucleotide position 6052. The proline at codon 2018 is replaced by threonine, an amino acid with highly similar properties. This amino acid position is conserved. In addition, in silico predictors for this gene do not accurately predict pathogenicity. Based on the available evidence, the clinical significance of this variant remains unclear.

NM_000038.6(APC):c.6052C>A (p.Pro2018Thr)

Gene: APC (APC regulator of Wnt signaling pathway; plus strand). Cytogenetic location: 5q22.2.
Variant type: single nucleotide variant.
Coding change: c.6052C>A on transcript NM_000038.6 (MANE Select); coding-DNA position 6052, C replaced by A.
Protein change: p.Pro2018Thr; replaces proline 2018 with threonine.
Molecular consequence: missense variant. On other transcripts: non-coding transcript variant (2).
Genome position (GRCh38, 1-based): chr5:112,841,646, C>A. VCF-style: chr5-112841646-C-A. GRCh37 (hg19) VCF-style: chr5-112177343-C-A.
Other names: c.6052C>A, p.Pro2018Thr (NM_001127510.3, NM_001354895.2, NM_001407450.1); c.5998C>A, p.Pro2000Thr (NM_001127511.3); c.6106C>A, p.Pro2036Thr (NM_001354896.2, NM_001407447.1, NM_001407448.1 and 1 more transcripts); c.6082C>A, p.Pro2028Thr (NM_001354897.2); c.5977C>A, p.Pro1993Thr (NM_001354898.2); c.5968C>A, p.Pro1990Thr (NM_001354899.2); c.5929C>A, p.Pro1977Thr (NM_001354900.2); c.5875C>A, p.Pro1959Thr (NM_001354901.2, NM_001407453.1); and 11 more; short protein forms P1858T, P1927T, P1977T, P1990T, P2008T, P2028T, P2036T, P1634T.
Identifiers: ClinVar variation 5025149 (VCV005025149.1).